The following is an entry in ClinVar:

ClinVar aggregate classification (germline): Benign. Review status: criteria provided, multiple submitters, no conflicts (2 of 4 stars). 3 submissions from 3 submitters: Benign (2). 1 of the submissions does not count toward it. Last evaluated 2018-11-12.

Conditions:
GPX4-related disorder. Also called: GPX4-related condition.

Allele frequency attached by ClinVar (database versions not stated): TOPMed 0.14853; 1000 Genomes Project 0.14497; 1000 Genomes Project 30x 0.14631; ExAC 0.20602.

Submissions (3):

GeneDx
Classification: Benign. Last evaluated: 2018-11-12. Review status: criteria provided, single submitter. Criteria: GeneDx Variant Classification Process June 2021. Collection method: clinical testing. Allele origin: germline. Affected: yes.

Breakthrough Genomics
Classification: Benign. Review status: criteria provided, single submitter. Criteria: ACMG Guidelines, 2015. Collection method: not provided. Allele origin: germline. Inheritance: Autosomal recessive inheritance. Affected: yes.

PreventionGenetics, part of Exact Sciences
Classification: Benign for GPX4-related condition. Last evaluated: 2019-10-28. Review status: no assertion criteria provided. Collection method: clinical testing. Allele origin: germline. Not counted in ClinVar's aggregate classification.
Comment: This variant is classified as benign based on ACMG/AMP sequence variant interpretation guidelines (Richards et al. 2015 PMID: 25741868, with internal and published modifications).

NM_002085.5(GPX4):c.36G>A (p.Pro12=)

Genes: GPX4 (glutathione peroxidase 4; plus strand), LOC130062887 (ATAC-STARR-seq lymphoblastoid silent region 9665; plus strand). Cytogenetic location: 19p13.3.
Variant type: single nucleotide variant.
Coding change: c.36G>A on transcript NM_002085.5 (MANE Select); coding-DNA position 36, G replaced by A.
Protein change: p.Pro12=; no amino-acid change (proline 12 retained).
Molecular consequence: synonymous variant. On other transcripts: 5 prime UTR variant (1).
Genome position (GRCh38, 1-based): chr19:1,104,079, G>A. VCF-style: chr19-1104079-G-A. GRCh37 (hg19) VCF-style: chr19-1104078-G-A.
Other names: c.36G>A, p.Pro12= (NM_001039847.3); c.-46G>A (NM_001367832.1); c.36G>A (NM_002085.4).
Identifiers: ClinVar variation 1258000 (VCV001258000.5), dbSNP rs4807542, ClinGen allele CA9037128.
Genomic context (GRCh38, chr19:1,104,079, plus strand): 5'-GCCGCTGGCTCCCAGCCCCGCCGCGATGAGCCTCGGCCGCCTTTGCCGCCTACTGAAGCC[G>A]GCGCTGCTCTGTGGGGCTCTGGCCGCGCCTGGCCTGGCCGGGACCATGGTGAGCTAGCGC-3'
Protein context (NP_002076.2, residues 2-22): SLGRLCRLLK[Pro12=]ALLCGALAAP